The following is an entry in ClinVar:

ClinVar aggregate classification (germline): Likely pathogenic (1 of 4 stars; one submission).

Submission:

Labcorp Genetics (formerly Invitae), Labcorp
Classification: Likely pathogenic. Last evaluated: 2025-09-04. Review status: criteria provided, single submitter. Criteria: Invitae Variant Classification Sherloc (09022015). Collection method: clinical testing. Allele origin: germline.
Comment: This sequence change affects a donor splice site in intron 11 of the AGPS gene. It is expected to disrupt RNA splicing. Variants that disrupt the donor or acceptor splice site typically lead to a loss of protein function (PMID: 16199547), and loss-of-function variants in AGPS are known to be pathogenic (PMID: 21990100, 35070570, 35986576). This variant is not present in population databases (gnomAD no frequency). This variant has not been reported in the literature in individuals affected with AGPS-related conditions. ClinVar contains an entry for this variant (Variation ID: 1418693). Algorithms developed to predict the effect of sequence changes on RNA splicing suggest that this variant may disrupt the consensus splice site. In summary, the currently available evidence indicates that the variant is pathogenic, but additional data are needed to prove that conclusively. Therefore, this variant has been classified as Likely Pathogenic.

Literature cited by the submitters: PubMed 16199547; PubMed 21990100; PubMed 35070570; PubMed 35986576.

NM_003659.4(AGPS):c.1233+1G>A

Gene: AGPS (alkylglycerone phosphate synthase; plus strand). Cytogenetic location: 2q31.2.
Variant type: single nucleotide variant.
Coding change: c.1233+1G>A on transcript NM_003659.4 (MANE Select); the canonical splice donor site of the intron after coding-DNA position 1233, G replaced by A.
Molecular consequence: splice donor variant.
Genome position (GRCh38, 1-based): chr2:177,482,187, G>A. VCF-style: chr2-177482187-G-A. GRCh37 (hg19) VCF-style: chr2-178346915-G-A.
Identifiers: ClinVar variation 1418693 (VCV001418693.6), dbSNP rs2105693633, ClinGen allele CA349361875.
Genomic context (GRCh38, chr2:177,482,187, plus strand): 5'-TCAGTAGCTTTCCCTAATTTTGAACAAGGAGTAGCCTGTTTAAGAGAAATTGCAAAACAG[G>A]TAAAAGAAAAAATATATATATATACATACATACATATATGTTTATGTATTTATATTTTTC-3'